The following is an entry in ClinVar:

NM_000038.6(APC):c.3084T>A (p.Ser1028Arg)

Gene: APC (APC regulator of Wnt signaling pathway; plus strand). Cytogenetic location: 5q22.2.
Variant type: single nucleotide variant.
Coding change: c.3084T>A on transcript NM_000038.6 (MANE Select); coding-DNA position 3084, T replaced by A.
Protein change: p.Ser1028Arg; replaces serine 1028 with arginine.
Molecular consequence: missense variant.
Genome position (GRCh38, 1-based): chr5:112,838,678, T>A. VCF-style: chr5-112838678-T-A. GRCh37 (hg19) VCF-style: chr5-112174375-T-A.
Other names: NM_000038.6(APC):c.3084T>A; p.Ser1028Arg; c.3084T>A, p.Ser1028Arg (NM_001127510.3, NM_001354895.2); c.3030T>A, p.Ser1010Arg (NM_001127511.3); c.3138T>A, p.Ser1046Arg (NM_001354896.2); c.3114T>A, p.Ser1038Arg (NM_001354897.2); c.3009T>A, p.Ser1003Arg (NM_001354898.2); c.3000T>A, p.Ser1000Arg (NM_001354899.2); and 7 more; short protein forms S1010R, S1028R, S1000R, S1046R, S987R, S1003R, S745R, S868R.
Identifiers: ClinVar variation 233215 (VCV000233215.20), dbSNP rs876660265, ClinGen allele CA10578350.
Genomic context (GRCh38, chr5:112,838,678, plus strand): 5'-ACATAGTGCAAATCATATGGATGATAATGATGGAGAACTAGATACACCAATAAATTATAG[T>A]CTTAAATATTCAGATGAGCAGTTGAACTCTGGAAGGCAAAGTCCTTCACAGAATGAAAGA-3'
Protein context (NP_000029.2, residues 1018-1038): DGELDTPINY[Ser1028Arg]LKYSDEQLNS

ClinVar aggregate classification (germline): Likely pathogenic. Review status: reviewed by expert panel (3 of 4 stars). 5 submissions from 5 submitters: Likely pathogenic (1). 4 of the submissions do not count toward it. Last evaluated 2023-02-25.

Conditions:
Familial adenomatous polyposis 1 (FAP1). Also called: FAMILIAL ADENOMATOUS POLYPOSIS 1, ATTENUATED; POLYPOSIS, ADENOMATOUS INTESTINAL. Identifiers: MedGen C2713442, MONDO:0021056, OMIM 175100. Disease mechanism: loss of function.
Hereditary cancer-predisposing syndrome. Also called: Neoplastic Syndromes, Hereditary; Tumor predisposition; Hereditary Cancer Syndrome; Hereditary neoplastic syndrome. Identifiers: Orphanet 140162, MedGen C0027672, MeSH D009386, MONDO:0015356.

Submissions (5):

ClinGen InSiGHT Hereditary Colorectal Cancer/Polyposis Variant Curation Expert Panel
Classification: Likely pathogenic for Familial adenomatous polyposis 1. Last evaluated: 2023-02-25. Review status: reviewed by expert panel. Criteria: ClinGen InSiGHT HCCP VCEP ACMG Specifications APC V1. Collection method: curation. Allele origin: germline. Inheritance: Autosomal dominant inheritance.
Comment: The c.3084T>A variant in APC is a missense variant predicted to cause the substitution of serine by arginine at amino acid position 1028 p.(Ser1028Arg). This variant has been reported in 6 probands meeting phenotypic criteria, resulting in a total phenotype score of 3 (PS4_Moderate; Ambry Genetics internal data). This variant has been reported to segregate with FAP in 3 meioses in 2 families (6 meiosis in total) (PP1_Moderate; Ambry Genetics internal data). This variant is demonstrated to increased beta-catenin regulated transcription activity and decreased binding to bete-catenin by surface plasmon resonance (PS3_Supporting, Barcelona internal data). Another missense variant c.3083G>T (p.Ser1028Ile) in the same codon has been classified as Likely Pathogenic for FAP by the ClinGen InSiGHT Hereditary Colorectal Cancers/ Polyposis VCEP (PM5_Supporting). Finally, this variant is absent from gnomAD v2.1.1 (PM2_Supporting). In summary, this variant is classified as Likely Pathogenic for FAP based on the ACMG/AMP criteria applied, as specified by the ClinGen InSiGHT Hereditary Colorectal Cancer/Polyposis Variant Curation Expert Panel: PS4_Moderate, PP1_Moderate, PS3_Supporting, PM2_Supporting, PM5_Supporting (VCEP Specification version 1; date of approval: 12/12/2022).

Ambry Genetics
Classification: Pathogenic for Hereditary cancer-predisposing syndrome. Last evaluated: 2025-09-26. Review status: criteria provided, single submitter. Criteria: Ambry Variant Classification Scheme 2023. Collection method: clinical testing. Allele origin: germline. Not counted in ClinVar's aggregate classification.
Comment: The p.S1028R pathogenic mutation (also known as c.3084T>A), located in coding exon 15 of the APC gene, results from a T to A substitution at nucleotide position 3084. The serine at codon 1028 is replaced by arginine, an amino acid with dissimilar properties. This variant was reported in individual(s) with features consistent with APC-related familial adenomatous polyposis (Ambry internal data). In addition, another variant at the same codon, p.S1028N (c.3083G>A), has been identified in individual(s) with features consistent with APC-related familial adenomatous polyposis (Ambry internal data). A nearby amino acid, APC p.N1026, likely interacts directly with APC p.S1028. A missense alteration at the nearby amino acid, APC p.N1026S, which was also shown to segregate with AFAP, is impaired in its ability to bind to &beta;-Catenin and, thus, has reducing &beta;-Catenin signaling (Men&eacute;ndez M et al. Gastroenterology. 2008 Jan;134:56-64; Kohler EM et al. Hum. Mol. Genet. 2008 Jul;17:1978-87). This amino acid position is highly conserved in available vertebrate species. In addition, in silico predictors for this gene do not accurately predict pathogenicity. This variant is considered to be rare based on population cohorts in the Genome Aggregation Database (gnomAD). Based on the supporting evidence, this alteration is interpreted as a disease-causing mutation.

Labcorp Genetics (formerly Invitae), Labcorp
Classification: Uncertain significance for Familial adenomatous polyposis 1. Last evaluated: 2024-11-07. Review status: criteria provided, single submitter. Criteria: Invitae Variant Classification Sherloc (09022015). Collection method: clinical testing. Allele origin: germline. Not counted in ClinVar's aggregate classification.
Comment: This sequence change replaces serine, which is neutral and polar, with arginine, which is basic and polar, at codon 1028 of the APC protein (p.Ser1028Arg). This variant is not present in population databases (gnomAD no frequency). This variant has not been reported in the literature in individuals affected with APC-related conditions. ClinVar contains an entry for this variant (Variation ID: 233215). Invitae Evidence Modeling of protein sequence and biophysical properties (such as structural, functional, and spatial information, amino acid conservation, physicochemical variation, residue mobility, and thermodynamic stability) indicates that this missense variant is not expected to disrupt APC protein function with a negative predictive value of 95%. In summary, the available evidence is currently insufficient to determine the role of this variant in disease. Therefore, it has been classified as a Variant of Uncertain Significance.

Color Diagnostics, LLC DBA Color Health
Classification: Likely pathogenic for Hereditary cancer-predisposing syndrome. Last evaluated: 2023-03-07. Review status: criteria provided, single submitter. Criteria: ACMG Guidelines, 2015. Collection method: clinical testing. Allele origin: germline. Not counted in ClinVar's aggregate classification.
Comment: This missense variant replaces serine with arginine at codon 1028 of the APC protein. Computational prediction suggests that this variant may have deleterious impact on protein structure and function (internally defined REVEL score threshold >= 0.7, PMID: 27666373). To our knowledge, functional studies have not been reported for this variant, however the residue is well conserved and may be important structurally (PMID: 18166348). This variant has not been reported in individuals affected with APC-related disorders in the literature, however the variant was reported as pathogenic in ClinVar based on multiple attenuated familial adenomatous polyposis cases (ClinVar Variation ID: VCV000233215; External laboratory communication). This variant has not been identified in the general population by the Genome Aggregation Database (gnomAD). Based on the available evidence, this variant is classified as Likely Pathogenic.

Quest Diagnostics Nichols Institute San Juan Capistrano
Classification: Uncertain significance. Last evaluated: 2021-03-08. Review status: criteria provided, single submitter. Criteria: Quest Diagnostics criteria. Collection method: clinical testing. Allele origin: unknown. Not counted in ClinVar's aggregate classification.

Literature cited by the submitters: PubMed 18166348 (cited by Ambry Genetics and Color Diagnostics, LLC DBA Color Health); PubMed 18387968 (cited by Ambry Genetics and Quest Diagnostics Nichols Institute San Juan Capistrano).